The following is an entry in ClinVar:

NM_012208.4(HARS2):c.706T>C (p.Cys236Arg)

Gene: HARS2 (histidyl-tRNA synthetase 2, mitochondrial; plus strand). Cytogenetic location: 5q31.3.
Variant type: single nucleotide variant.
Coding change: c.706T>C on transcript NM_012208.4 (MANE Select); coding-DNA position 706, T replaced by C.
Protein change: p.Cys236Arg; replaces cysteine 236 with arginine.
Molecular consequence: missense variant.
Genome position (GRCh38, 1-based): chr5:140,696,175, T>C. VCF-style: chr5-140696175-T-C. GRCh37 (hg19) VCF-style: chr5-140075760-T-C.
Other names: c.631T>C, p.Cys211Arg (NM_001278731.2); c.274T>C, p.Cys92Arg (NM_001278732.2); c.724T>C, p.Cys242Arg (NM_001363535.2); c.496T>C, p.Cys166Arg (NM_001363536.2); short protein forms C166R, C211R, C236R, C242R, C92R.
Identifiers: ClinVar variation 3361449 (VCV003361449.1).
Genomic context (GRCh38, chr5:140,696,175, plus strand): 5'-CGGATTGTGGATGGGATGTTTGCTGTCTGTGGTGTTCCTGAAAGCAAGTTCCGTGCCATC[T>C]GCTCCTCCATAGATAAACTAGACAAGGTAACAAAGAAGACATACTTCAGTAGACCCTATC-3'
Protein context (NP_036340.1, residues 226-246): GVPESKFRAI[Cys236Arg]SSIDKLDKMA

ClinVar aggregate classification (germline): Uncertain significance (1 of 4 stars; one submission).

Submission:

GeneDx
Classification: Uncertain significance. Last evaluated: 2023-07-24. Review status: criteria provided, single submitter. Criteria: GeneDx Variant Classification Process June 2021. Collection method: clinical testing. Allele origin: germline. Affected: yes.
Comment: Not observed at significant frequency in large population cohorts (gnomAD); In silico analysis supports that this missense variant has a deleterious effect on protein structure/function; Has not been previously published as pathogenic or benign to our knowledge